The following is an entry in ClinVar:

ClinVar aggregate classification (germline): Likely benign. Review status: criteria provided, multiple submitters, no conflicts (2 of 4 stars). 4 submissions from 4 submitters: Likely benign (4). Last evaluated 2026-01-12.

Conditions:
Cardiovascular phenotype. Identifiers: MedGen CN230736.
Cardiomyopathy (CMYO). Also called: Cardiomyopathies. Identifiers: Orphanet 167848, MedGen C0878544, MONDO:0004994, HP:0001638. Inheritance: Various modes of inheritance.
Hypertrophic cardiomyopathy. Also called: HYPERTROPHIC MYOCARDIOPATHY. Identifiers: Orphanet 217569, MedGen C0007194, MeSH D002312, MONDO:0005045, HP:0001639.

Allele frequency attached by ClinVar (database versions not stated): ExAC 0.00001.
gnomAD v4.1: 6 of 1,613,482 alleles (0.00037%); highest among the groups gnomAD compares: African/African-American, 0.0013%; no homozygotes.

Submissions (4):

Labcorp Genetics (formerly Invitae), Labcorp
Classification: Likely benign for Hypertrophic cardiomyopathy. Last evaluated: 2026-01-12. Review status: criteria provided, single submitter. Criteria: Invitae Variant Classification Sherloc (09022015). Collection method: clinical testing. Allele origin: germline.

All of Us Research Program, National Institutes of Health
Classification: Likely benign for Hypertrophic cardiomyopathy. Last evaluated: 2023-11-02. Review status: criteria provided, single submitter. Criteria: ACMG Guidelines, 2015. Collection method: clinical testing. Allele origin: germline. Inheritance: Autosomal dominant inheritance. Observed: 3 variant alleles, 3 heterozygotes.
Comment: This study involves interpretation of variants in research participants for the purpose of population health screening. Participant phenotype was not available at the time of variant classification. Additional details can be found in publication PMID: 35346344, PMCID: PMC8962531

Ambry Genetics
Classification: Likely benign for Cardiovascular phenotype. Last evaluated: 2023-03-16. Review status: criteria provided, single submitter. Criteria: Ambry Variant Classification Scheme 2023. Collection method: clinical testing. Allele origin: germline.

Color Diagnostics, LLC DBA Color Health
Classification: Likely benign for Cardiomyopathy. Last evaluated: 2019-04-20. Review status: criteria provided, single submitter. Criteria: ACMG Guidelines, 2015. Collection method: clinical testing. Allele origin: germline.

NM_000256.3(MYBPC3):c.2019C>T (p.Ile673=)

Gene: MYBPC3 (myosin binding protein C3; minus strand). Cytogenetic location: 11p11.2.
Variant type: single nucleotide variant.
Coding change: c.2019C>T on transcript NM_000256.3 (MANE Select); coding-DNA position 2019, C replaced by T.
Protein change: p.Ile673=; no amino-acid change (isoleucine 673 retained).
Molecular consequence: synonymous variant.
Genome position (GRCh38, 1-based): chr11:47,339,699, G>A on the plus strand (C>T on the coding strand, the complement: MYBPC3 is on the minus strand). VCF-style: chr11-47339699-G-A. GRCh37 (hg19) VCF-style: chr11-47361250-G-A.
Identifiers: ClinVar variation 926594 (VCV000926594.13), dbSNP rs746263346, ClinGen allele CA078479.